The following is an entry in ClinVar:

NM_015466.4(PTPN23):c.4635_4652del (p.Pro1546_Pro1551del)

Gene: PTPN23 (protein tyrosine phosphatase non-receptor type 23; plus strand). Cytogenetic location: 3p21.31.
Variant type: Deletion.
Coding change: c.4635_4652del on transcript NM_015466.4 (MANE Select); coding-DNA positions 4635 to 4652, 18 bases deleted (GCCCCCCCTTTCCTCCCC).
Protein change: p.Pro1546_Pro1551del.
Molecular consequence: inframe deletion.
Genome position (GRCh38, 1-based): chr3:47,412,909-47,412,926, GCCCCCCCTTTCCTCCCC deleted; deleting any 18 consecutive bases within chr3:47,412,900-47,412,926 gives the same sequence; the c. name uses the placement nearest the transcript's 3' end. VCF-style (leftmost placement, unchanged base first): chr3-47412899-CTTCCTCCCCGCCCCCCCT-C. GRCh37 (hg19) VCF-style: chr3-47454389-CTTCCTCCCCGCCCCCCCT-C.
Other names: c.4257_4274del, p.Pro1420_Pro1425del (NM_001304482.2).
Identifiers: ClinVar variation 1896537 (VCV001896537.2), dbSNP rs757755178, ClinGen allele CA2366654.

ClinVar aggregate classification (germline): Uncertain significance (1 of 4 stars; one submission).

Submission:

Labcorp Genetics (formerly Invitae), Labcorp
Classification: Uncertain significance. Last evaluated: 2021-12-02. Review status: criteria provided, single submitter. Criteria: Invitae Variant Classification Sherloc (09022015). Collection method: clinical testing. Allele origin: germline.
Comment: This variant, c.4635_4652del, results in the deletion of 6 amino acid(s) of the PTPN23 protein (p.Pro1546_Pro1551del), but otherwise preserves the integrity of the reading frame. This variant is present in population databases (rs757755178, gnomAD 0.02%). This variant has not been reported in the literature in individuals affected with PTPN23-related conditions. Experimental studies and prediction algorithms are not available or were not evaluated, and the functional significance of this variant is currently unknown. In summary, the available evidence is currently insufficient to determine the role of this variant in disease. Therefore, it has been classified as a Variant of Uncertain Significance.